The following is an entry in ClinVar:

NM_004655.4(AXIN2):c.1924A>C (p.Lys642Gln)

Gene: AXIN2 (axin 2; minus strand). Cytogenetic location: 17q24.1.
Variant type: single nucleotide variant.
Coding change: c.1924A>C on transcript NM_004655.4 (MANE Select); coding-DNA position 1924, A replaced by C.
Protein change: p.Lys642Gln; replaces lysine 642 with glutamine.
Molecular consequence: missense variant.
Genome position (GRCh38, 1-based): chr17:65,536,537, T>G on the plus strand (A>C on the coding strand, the complement: AXIN2 is on the minus strand). VCF-style: chr17-65536537-T-G. GRCh37 (hg19) VCF-style: chr17-63532655-T-G.
Other names: c.1729A>C, p.Lys577Gln (NM_001363813.1); short protein forms K577Q, K642Q.
Identifiers: ClinVar variation 1717823 (VCV001717823.5), dbSNP rs2509403722, ClinGen allele CA400676324.

ClinVar aggregate classification (germline): Uncertain significance (1 of 4 stars; one submission).

Conditions:
Oligodontia-cancer predisposition syndrome. Also called: TOOTH AGENESIS-COLORECTAL CANCER SYNDROME. Identifiers: Orphanet 300576, MedGen C1837750, MONDO:0012075, OMIM 608615. Disease mechanism: loss of function.

Submission:

Labcorp Genetics (formerly Invitae), Labcorp
Classification: Uncertain significance for Oligodontia-cancer predisposition syndrome. Last evaluated: 2022-08-23. Review status: criteria provided, single submitter. Criteria: Invitae Variant Classification Sherloc (09022015). Collection method: clinical testing. Allele origin: germline.
Comment: This sequence change replaces lysine, which is basic and polar, with glutamine, which is neutral and polar, at codon 642 of the AXIN2 protein (p.Lys642Gln). This variant is not present in population databases (gnomAD no frequency). This variant has not been reported in the literature in individuals affected with AXIN2-related conditions. Algorithms developed to predict the effect of missense changes on protein structure and function are either unavailable or do not agree on the potential impact of this missense change (SIFT: "Tolerated"; PolyPhen-2: "Possibly Damaging"; Align-GVGD: "Class C0"). In summary, the available evidence is currently insufficient to determine the role of this variant in disease. Therefore, it has been classified as a Variant of Uncertain Significance.